The following is an entry in ClinVar:

ClinVar aggregate classification (germline): Benign. Review status: criteria provided, multiple submitters, no conflicts (2 of 4 stars). 7 submissions from 6 submitters: Benign (7). Last evaluated 2026-02-04.

Conditions:
Cardiovascular phenotype. Identifiers: MedGen CN230736.
Hypoalphalipoproteinemia, primary, 1. Identifiers: Orphanet 425, MedGen C5231558, MONDO:0011393, OMIM 604091.
Tangier disease (TGD). Also called: HIGH DENSITY LIPOPROTEIN DEFICIENCY, TANGIER TYPE; HIGH DENSITY LIPOPROTEIN DEFICIENCY, TYPE 1; Cholesterol thesaurismosis. Identifiers: Orphanet 31150, MedGen C0039292, MONDO:0008783, OMIM 205400.

Allele frequency attached by ClinVar (database versions not stated): gnomAD exomes 0.14871 and 0.20198; ExAC 0.20272; ESP Exome Variant Server 0.22413; gnomAD 0.23559 and 0.23654; TOPMed 0.25847; 1000 Genomes Project 30x 0.33838; 1000 Genomes Project 0.33906.
gnomAD v4.1: 255,126 of 1,613,864 alleles (16%); highest among the groups gnomAD compares: East Asian, 66%; 30,451 homozygotes.

Submissions (7):

Labcorp Genetics (formerly Invitae), Labcorp
Classification: Benign. Last evaluated: 2026-02-04. Review status: criteria provided, single submitter. Criteria: Invitae Variant Classification Sherloc (09022015). Collection method: clinical testing. Allele origin: germline.

Ambry Genetics
Classification: Benign for Cardiovascular phenotype. Last evaluated: 2019-03-20. Review status: criteria provided, single submitter. Criteria: Ambry Variant Classification Scheme 2023. Collection method: clinical testing. Allele origin: germline.

GeneDx
Classification: Benign. Last evaluated: 2018-10-01. Review status: criteria provided, single submitter. Criteria: GeneDx Variant Classification Process June 2021. Collection method: clinical testing. Allele origin: germline. Affected: yes.

Illumina Laboratory Services, Illumina
Classification: Benign for Hypoalphalipoproteinemia, primary, 1. Last evaluated: 2018-01-13. Review status: criteria provided, single submitter. Criteria: ICSL Variant Classification Criteria 13 December 2019. Collection method: clinical testing. Allele origin: germline.
Comment: This variant was observed in the ICSL laboratory as part of a predisposition screen in an ostensibly healthy population. It had not been previously curated by ICSL or reported in the Human Gene Mutation Database (HGMD: prior to June 1st, 2018), and was therefore a candidate for classification through an automated scoring system. Utilizing variant allele frequency, disease prevalence and penetrance estimates, and inheritance mode, an automated score was calculated to assess if this variant is too frequent to cause the disease. Based on the score and internal cut-off values, a variant classified as benign is not then subjected to further curation. The score for this variant resulted in a classification of benign for this disease.

Illumina Laboratory Services, Illumina
Classification: Benign for Tangier disease. Last evaluated: 2018-01-13. Review status: criteria provided, single submitter. Criteria: ICSL Variant Classification Criteria 13 December 2019. Collection method: clinical testing. Allele origin: germline.
Comment: the same text as in the submission from Illumina Laboratory Services, Illumina above.

Mayo Clinic Laboratories, Mayo Clinic
Classification: Benign. Last evaluated: 2017-07-24. Review status: criteria provided, single submitter. Criteria: ACMG Guidelines, 2015. Collection method: clinical testing. Allele origin: germline. Observed: 351 variant alleles.

Breakthrough Genomics
Classification: Benign. Review status: criteria provided, single submitter. Criteria: ACMG Guidelines, 2015. Collection method: not provided. Allele origin: germline. Inheritance: Autosomal recessive inheritance. Affected: yes.

NM_005502.4(ABCA1):c.2040C>A (p.Ile680=)

Gene: ABCA1 (ATP binding cassette subfamily A member 1; minus strand). Cytogenetic location: 9q31.1.
Variant type: single nucleotide variant.
Coding change: c.2040C>A on transcript NM_005502.4 (MANE Select); coding-DNA position 2040, C replaced by A.
Protein change: p.Ile680=; no amino-acid change (isoleucine 680 retained).
Molecular consequence: synonymous variant.
Genome position (GRCh38, 1-based): chr9:104,828,991, G>T on the plus strand (C>A on the coding strand, the complement: ABCA1 is on the minus strand). VCF-style: chr9-104828991-G-T. GRCh37 (hg19) VCF-style: chr9-107591272-G-T.
Other names: p.Ile680=.
Identifiers: ClinVar variation 364438 (VCV000364438.19), dbSNP rs2853579, ClinGen allele CA5168838.